The following is an entry in ClinVar:

NM_020975.6(RET):c.3240T>C (p.Ala1080=)

Gene: RET (ret proto-oncogene; plus strand). Cytogenetic location: 10q11.21.
Variant type: single nucleotide variant.
Coding change: c.3240T>C on transcript NM_020975.6 (MANE Select); coding-DNA position 3240, T replaced by C.
Protein change: p.Ala1080=; no amino-acid change (alanine 1080 retained).
Molecular consequence: synonymous variant. On other transcripts: 3 prime UTR variant (18), intron variant (3).
Genome position (GRCh38, 1-based): chr10:43,128,164, T>C. VCF-style: chr10-43128164-T-C. GRCh37 (hg19) VCF-style: chr10-43623612-T-C.
Other names: c.*1410T>C (NM_001355216.2, NM_001406764.1, NM_001406765.1 and 15 more transcripts); c.3240T>C, p.Ala1080= (NM_001406743.1); c.3180T>C, p.Ala1060= (NM_001406759.1, NM_001406760.1); c.3111T>C, p.Ala1037= (NM_001406761.1, NM_001406762.1); c.3105T>C, p.Ala1035= (NM_001406763.1); c.2952T>C, p.Ala984= (NM_001406766.1, NM_001406767.1); c.2844T>C, p.Ala948= (NM_001406769.1); c.2802T>C, p.Ala934= (NM_001406771.1); and 10 more.
Identifiers: ClinVar variation 3432268 (VCV003432268.11).

ClinVar aggregate classification (germline): Likely benign. Review status: criteria provided, multiple submitters, no conflicts (2 of 4 stars). 3 submissions from 3 submitters: Likely benign (3). Last evaluated 2025-08-01.

Conditions:
Multiple endocrine neoplasia, type 2 (MEN2). Identifiers: Orphanet 653, MedGen C4048306, MONDO:0019003. Disease mechanism: gain of function.
Hereditary cancer-predisposing syndrome. Also called: Neoplastic Syndromes, Hereditary; Tumor predisposition; Hereditary Cancer Syndrome; Hereditary neoplastic syndrome. Identifiers: Orphanet 140162, MedGen C0027672, MeSH D009386, MONDO:0015356.

Submissions (3):

CeGaT Center for Human Genetics Tuebingen
Classification: Likely benign. Last evaluated: 2025-08-01. Review status: criteria provided, single submitter. Criteria: CeGaT Center For Human Genetics Tuebingen Variant Classification Criteria Version 2. Collection method: clinical testing. Allele origin: germline. Affected: yes. Observed: 1 variant allele.
Comment: RET: PM2:Supporting, BP4, BP7

Ambry Genetics
Classification: Likely benign for Hereditary cancer-predisposing syndrome. Last evaluated: 2024-09-22. Review status: criteria provided, single submitter. Criteria: Ambry Variant Classification Scheme 2023. Collection method: clinical testing. Allele origin: germline.

Labcorp Genetics (formerly Invitae), Labcorp
Classification: Likely benign for Multiple endocrine neoplasia, type 2. Last evaluated: 2024-08-01. Review status: criteria provided, single submitter. Criteria: Invitae Variant Classification Sherloc (09022015). Collection method: clinical testing. Allele origin: germline.